The following is an entry in ClinVar:

ClinVar aggregate classification (germline): Likely pathogenic (1 of 4 stars; one submission).

Conditions:
Rubinstein-Taybi syndrome (RSTS). Identifiers: Orphanet 783, MedGen C0035934, MONDO:0019188.

Submission:

Labcorp Genetics (formerly Invitae), Labcorp
Classification: Likely pathogenic for Rubinstein-Taybi syndrome. Last evaluated: 2025-01-27. Review status: criteria provided, single submitter. Criteria: Invitae Variant Classification Sherloc (09022015). Collection method: clinical testing. Allele origin: germline.
Comment: This sequence change affects an acceptor splice site in intron 25 of the CREBBP gene. It is expected to disrupt RNA splicing. Variants that disrupt the donor or acceptor splice site typically lead to a loss of protein function (PMID: 16199547), and loss-of-function variants in CREBBP are known to be pathogenic (PMID: 17052327, 18792986). This variant is not present in population databases (gnomAD no frequency). This variant has not been reported in the literature in individuals affected with CREBBP-related conditions. Algorithms developed to predict the effect of sequence changes on RNA splicing suggest that this variant may disrupt the consensus splice site. In summary, the currently available evidence indicates that the variant is pathogenic, but additional data are needed to prove that conclusively. Therefore, this variant has been classified as Likely Pathogenic.

Literature cited by the submitters: PubMed 16199547; PubMed 17052327; PubMed 18792986.

NM_004380.3(CREBBP):c.4281-2A>T

Gene: CREBBP (CREB binding lysine acetyltransferase; minus strand). Cytogenetic location: 16p13.3.
Variant type: single nucleotide variant.
Coding change: c.4281-2A>T on transcript NM_004380.3 (MANE Select); the canonical splice acceptor site of the intron before coding-DNA position 4281, A replaced by T.
Molecular consequence: splice acceptor variant.
Genome position (GRCh38, 1-based): chr16:3,738,674, T>A on the plus strand (A>T on the coding strand, the complement: CREBBP is on the minus strand). VCF-style: chr16-3738674-T-A. GRCh37 (hg19) VCF-style: chr16-3788675-T-A.
Other names: c.4167-2A>T (NM_001079846.1).
Identifiers: ClinVar variation 3729577 (VCV003729577.2).